The following is an entry in ClinVar:

NM_014915.3(ANKRD26):c.4216-2A>C

Gene: ANKRD26 (ankyrin repeat domain 26; minus strand). Cytogenetic location: 10p12.1.
Variant type: single nucleotide variant.
Coding change: c.4216-2A>C on transcript NM_014915.3 (MANE Select); the canonical splice acceptor site of the intron before coding-DNA position 4216, A replaced by C.
Molecular consequence: splice acceptor variant.
Genome position (GRCh38, 1-based): chr10:27,017,794, T>G on the plus strand (A>C on the coding strand, the complement: ANKRD26 is on the minus strand). VCF-style: chr10-27017794-T-G. GRCh37 (hg19) VCF-style: chr10-27306723-T-G.
Other names: c.4213-2A>C (NM_001256053.2).
Identifiers: ClinVar variation 1312721 (VCV001312721.6), dbSNP rs774047533, ClinGen allele CA5447825.
Genomic context (GRCh38, chr10:27,017,794, plus strand): 5'-GTATCCAGATGTAGACATTTTGAACCTGCAGTCTCCAGTTCTGCTGTAAGATCATCAATC[T>G]GAATGAAGACAATAATATAGTGTAATAATGAAGGAAGTAGCCTGAGAATAGCCTAACATA-3'

ClinVar aggregate classification (germline): Uncertain significance. Review status: criteria provided, multiple submitters, no conflicts (2 of 4 stars). 2 submissions from 2 submitters: Uncertain significance (2). Last evaluated 2023-06-30.

Allele frequency attached by ClinVar (database versions not stated): gnomAD 0.00001; gnomAD exomes 0.00001 and 0.00003; TOPMed 0.00001; ExAC 0.00007.
gnomAD v4.1: 14 of 1,611,382 alleles (0.00087%); highest among the groups gnomAD compares: Non-Finnish European, 0.0011%; no homozygotes.

Submissions (2):

Labcorp Genetics (formerly Invitae), Labcorp
Classification: Uncertain significance. Last evaluated: 2023-06-30. Review status: criteria provided, single submitter. Criteria: Invitae Variant Classification Sherloc (09022015). Collection method: clinical testing. Allele origin: germline.
Comment: This variant has not been reported in the literature in individuals affected with ANKRD26-related conditions. This variant is present in population databases (rs774047533, gnomAD 0.006%). This sequence change affects an acceptor splice site in intron 29 of the ANKRD26 gene. It is expected to disrupt RNA splicing. Variants that disrupt the donor or acceptor splice site typically lead to a loss of protein function (PMID: 16199547), however the current clinical and genetic evidence is not sufficient to establish whether loss-of-function variants in ANKRD26 cause disease. ClinVar contains an entry for this variant (Variation ID: 1312721). In summary, the available evidence is currently insufficient to determine the role of this variant in disease. Therefore, it has been classified as a Variant of Uncertain Significance. Algorithms developed to predict the effect of sequence changes on RNA splicing suggest that this variant may disrupt the consensus splice site.

GeneDx
Classification: Uncertain significance. Last evaluated: 2023-06-14. Review status: criteria provided, single submitter. Criteria: GeneDx Variant Classification Process June 2021. Collection method: clinical testing. Allele origin: germline. Affected: yes.
Comment: Has not been previously published as pathogenic or benign to our knowledge; Canonical splice site variant in a gene for which loss-of-function is not a known mechanism of disease

Literature cited by the submitters: PubMed 16199547 (cited by Labcorp Genetics (formerly Invitae), Labcorp).